The following is an entry in ClinVar:

ClinVar aggregate classification (germline): Uncertain significance (1 of 4 stars; one submission).

Submission:

GeneDx
Classification: Uncertain significance. Last evaluated: 2022-11-16. Review status: criteria provided, single submitter. Criteria: GeneDx Variant Classification Process June 2021. Collection method: clinical testing. Allele origin: germline. Affected: yes.
Comment: Not observed at significant frequency in large population cohorts (gnomAD); In silico analysis supports that this missense variant does not alter protein structure/function; Has not been previously published as pathogenic or benign to our knowledge

NM_001371928.1(AHDC1):c.2240A>G (p.Asn747Ser)

Gene: AHDC1 (AT-hook DNA binding motif containing 1; minus strand). Cytogenetic location: 1p36.11.
Variant type: single nucleotide variant.
Coding change: c.2240A>G on transcript NM_001371928.1 (MANE Select); coding-DNA position 2240, A replaced by G.
Protein change: p.Asn747Ser; replaces asparagine 747 with serine.
Molecular consequence: missense variant.
Genome position (GRCh38, 1-based): chr1:27,549,876, T>C on the plus strand (A>G on the coding strand, the complement: AHDC1 is on the minus strand). VCF-style: chr1-27549876-T-C. GRCh37 (hg19) VCF-style: chr1-27876387-T-C.
Other names: c.2240A>G, p.Asn747Ser (NM_001029882.3); short protein forms N747S.
Identifiers: ClinVar variation 2502673 (VCV002502673.1), dbSNP rs2521949059, ClinGen allele CA339232408.
Genomic context (GRCh38, chr1:27,549,876, plus strand): 5'-TCAGCACCTGCCTCCCCAAAGCCTGGGCCACTGGGCACCTGCTCTGGGAACAGAGTCCCA[T>C]TCTTCCGGGACCGTCTCTTGCGCTTTGGCTTCCCAGTCACAGCGTCTACCTCCCCCCGGC-3'
Protein context (NP_001358857.1, residues 737-757): KPKRKRRSRK[Asn747Ser]GTLFPEQVPS